The following is an entry in ClinVar:

ClinVar aggregate classification (germline): Uncertain significance (1 of 4 stars; one submission).

Submission:

ISCA site 15
Classification: Uncertain significance. Last evaluated: 2011-08-12. Review status: criteria provided, single submitter. Criteria: Kaminsky et al. (Genet Med. 2011). Collection method: clinical testing. Allele origin: paternal. Affected: yes. Observed: 1 variant allele.
Comment: Copy number variation identified through the course of routine clinical cytogenomic testing in postnatal populations. Clinical assertions have been curated as described in Kaminsky et al. 2011.

GRCh38/hg38 7p21.3(chr7:10106458-11714808)x4

Genes: MGC4859 (uncharacterized LOC79150; minus strand), NDUFA4 (NDUFA4 mitochondrial complex associated; minus strand), PHF14 (PHD finger protein 14; plus strand), THSD7A (thrombospondin type 1 domain containing 7A; minus strand), LOC100131472 (uncharacterized LOC100131472; plus strand) and 12 more. Cytogenetic location: 7p21.3.
Variant type: copy number gain.
Change: copy number 4 of chr7:10,106,458-11,714,808 (1.61 Mb, GRCh38 coordinates, 1-based), cytogenetic band 7p21.3.
Identifiers: ClinVar variation 59566 (VCV000059566.1).